The following is an entry in ClinVar:

ClinVar aggregate classification (germline): Uncertain significance. Review status: criteria provided, single submitter (1 of 4 stars). 2 submissions from 2 submitters: Uncertain significance (1). 1 of the submissions does not count toward it. Last evaluated 2026-07-24.

Conditions:
NIPBL-related disorder. Also called: NIPBL-related condition.

Allele frequency attached by ClinVar (database versions not stated): gnomAD exomes below 0.00001.

Submissions (2):

PreventionGenetics, part of Exact Sciences
Classification: Uncertain significance for NIPBL-related condition. Last evaluated: 2026-07-24. Review status: criteria provided, single submitter. Criteria: ACMG Guidelines, 2015. Collection method: clinical testing. Allele origin: germline.
Comment: The NIPBL c.5427+3A>G variant is predicted to interfere with splicing. This variant is predicted to alter splicing based on available splicing prediction programs (SpliceAI, Jaganathan et al. 2019. PubMed ID: 30661751). However, the use of computer prediction programs is not equivalent to functional evidence. To our knowledge, this variant has not been reported in the literature. This variant is reported in 0.00088% of alleles in individuals of European (Non-Finnish) descent in gnomAD. At this time, the clinical significance of this variant is uncertain due to the absence of conclusive functional and genetic evidence.

Laboratory of Molecular Genetics (Pr. Bezieau's lab), CHU de Nantes
Classification: Uncertain significance. Last evaluated: 2017-06-12. Review status: no assertion criteria provided. Collection method: clinical testing. Allele origin: germline. Affected: yes. Not counted in ClinVar's aggregate classification.

NM_133433.4(NIPBL):c.5427+3A>G

Gene: NIPBL (NIPBL cohesin loading factor; plus strand). Cytogenetic location: 5p13.2.
Variant type: single nucleotide variant.
Coding change: c.5427+3A>G on transcript NM_133433.4 (MANE Select); 3 bases into the intron after coding-DNA position 5427, A replaced by G.
Molecular consequence: intron variant.
Genome position (GRCh38, 1-based): chr5:37,022,152, A>G. VCF-style: chr5-37022152-A-G. GRCh37 (hg19) VCF-style: chr5-37022254-A-G.
Other names: c.5427+3A>G (NM_015384.5).
Identifiers: ClinVar variation 545078 (VCV000545078.2), dbSNP rs1363419528, ClinGen allele CA559295217.